The following is an entry in ClinVar:

NM_001003841.3(SLC6A19):c.888-3C>T

Gene: SLC6A19 (solute carrier family 6 member 19; plus strand). Cytogenetic location: 5p15.33.
Variant type: single nucleotide variant.
Coding change: c.888-3C>T on transcript NM_001003841.3 (MANE Select); 3 bases into the intron before coding-DNA position 888, C replaced by T.
Molecular consequence: intron variant.
Genome position (GRCh38, 1-based): chr5:1,216,555, C>T. VCF-style: chr5-1216555-C-T. GRCh37 (hg19) VCF-style: chr5-1216670-C-T.
Other names: p.?.
Identifiers: ClinVar variation 780514 (VCV000780514.16), dbSNP rs114350709, ClinGen allele CA3182948.

ClinVar aggregate classification (germline): Benign. Review status: criteria provided, multiple submitters, no conflicts (2 of 4 stars). 4 submissions from 4 submitters: Benign (3). 1 of the submissions does not count toward it. Last evaluated 2026-01-28.

Conditions:
SLC6A19-related disorder. Also called: SLC6A19-related condition.

Allele frequency attached by ClinVar (database versions not stated): gnomAD exomes 0.00318 and 0.00721; ExAC 0.00865; gnomAD 0.02371 and 0.02512; 1000 Genomes Project 0.02436; 1000 Genomes Project 30x 0.02561; TOPMed 0.02636; ESP Exome Variant Server 0.02753.

Submissions (6):

Labcorp Genetics (formerly Invitae), Labcorp
Classification: Benign. Last evaluated: 2026-01-28. Review status: criteria provided, single submitter. Criteria: Invitae Variant Classification Sherloc (09022015). Collection method: clinical testing. Allele origin: germline.

Mayo Clinic Laboratories, Mayo Clinic
Classification: Benign. Last evaluated: 2023-04-03. Review status: criteria provided, single submitter. Criteria: ACMG Guidelines, 2015. Collection method: clinical testing. Allele origin: germline. Observed: 8 variant alleles.

Breakthrough Genomics
Classification: Benign. Review status: criteria provided, single submitter. Criteria: ACMG Guidelines, 2015. Collection method: not provided. Allele origin: germline. Inheritance: Autosomal recessive inheritance. Affected: yes.

PreventionGenetics, part of Exact Sciences
Classification: Benign for SLC6A19-related condition. Last evaluated: 2019-11-26. Review status: no assertion criteria provided. Collection method: clinical testing. Allele origin: germline. Not counted in ClinVar's aggregate classification.
Comment: This variant is classified as benign based on ACMG/AMP sequence variant interpretation guidelines (Richards et al. 2015 PMID: 25741868, with internal and published modifications).

Dr. Peter K. Rogan Lab, Western University
No classification provided (evidence only). Condition: Clear cell carcinoma of kidney. Review status: no classification provided. Collection method: in vitro. Allele origin: not applicable. Functional consequence: retained intron. Not counted in ClinVar's aggregate classification.

Dr. Peter K. Rogan Lab, Western University
No classification provided (evidence only). Condition: Clear cell carcinoma of kidney. Review status: no classification provided. Collection method: in vitro. Allele origin: not applicable. Functional consequence: retained intron. Not counted in ClinVar's aggregate classification.